The following is an entry in ClinVar:

ClinVar aggregate classification (germline): Uncertain significance (1 of 4 stars; one submission).

Conditions:
GLUT1 deficiency syndrome 1, autosomal recessive. Identifiers: MedGen C3149117.

gnomAD v4.1: 2 of 1,600,900 alleles (0.00012%); highest among the groups gnomAD compares: Admixed American, 0.0033%; no homozygotes.

Submission:

Labcorp Genetics (formerly Invitae), Labcorp
Classification: Uncertain significance for GLUT1 deficiency syndrome 1, autosomal recessive. Last evaluated: 2025-07-10. Review status: criteria provided, single submitter. Criteria: Invitae Variant Classification Sherloc (09022015). Collection method: clinical testing. Allele origin: germline.
Comment: This sequence change replaces methionine, which is neutral and non-polar, with arginine, which is basic and polar, at codon 98 of the SLC2A1 protein (p.Met98Arg). This variant is present in population databases (no rsID available, gnomAD 0.003%). This variant has not been reported in the literature in individuals affected with SLC2A1-related conditions. Invitae Evidence Modeling of protein sequence and biophysical properties (such as structural, functional, and spatial information, amino acid conservation, physicochemical variation, residue mobility, and thermodynamic stability) indicates that this missense variant is expected to disrupt SLC2A1 protein function with a positive predictive value of 80%. In summary, the available evidence is currently insufficient to determine the role of this variant in disease. Therefore, it has been classified as a Variant of Uncertain Significance.

NM_006516.4(SLC2A1):c.293T>G (p.Met98Arg)

Gene: SLC2A1 (solute carrier family 2 member 1; minus strand). Cytogenetic location: 1p34.2.
Variant type: single nucleotide variant.
Coding change: c.293T>G on transcript NM_006516.4 (MANE Select); coding-DNA position 293, T replaced by G.
Protein change: p.Met98Arg; replaces methionine 98 with arginine.
Molecular consequence: missense variant.
Genome position (GRCh38, 1-based): chr1:42,930,849, A>C on the plus strand (T>G on the coding strand, the complement: SLC2A1 is on the minus strand). VCF-style: chr1-42930849-A-C. GRCh37 (hg19) VCF-style: chr1-43396520-A-C.
Other names: short protein forms M98R.
Identifiers: ClinVar variation 4774397 (VCV004774397.1).